The following is an entry in ClinVar:

NM_012092.4(ICOS):c.*1095A>G

Gene: ICOS (inducible T cell costimulator; plus strand). Cytogenetic location: 2q33.2.
Variant type: single nucleotide variant.
Coding change: c.*1095A>G on transcript NM_012092.4 (MANE Select); 1095 bases downstream of the stop codon, A replaced by G.
Molecular consequence: 3 prime UTR variant.
Genome position (GRCh38, 1-based): chr2:203,960,694, A>G. VCF-style: chr2-203960694-A-G. GRCh37 (hg19) VCF-style: chr2-204825417-A-G.
Identifiers: ClinVar variation 333755 (VCV000333755.5), dbSNP rs73991307, ClinGen allele CA10612116.

ClinVar aggregate classification (germline): Benign (1 of 4 stars; one submission).

Conditions:
Immunodeficiency, common variable, 1. Also called: ANTIBODY DEFICIENCY DUE TO ICOS DEFECT. Identifiers: Orphanet 1572, Orphanet 695183, MedGen C3149378, MONDO:0011864, OMIM 607594.

Allele frequency attached by ClinVar (database versions not stated): TOPMed 0.02790; 1000 Genomes Project 30x 0.02452; gnomAD 0.02468 and 0.02660; 1000 Genomes Project 0.02376.

Submission:

Illumina Laboratory Services, Illumina
Classification: Benign for Immunodeficiency, common variable, 1. Last evaluated: 2018-01-13. Review status: criteria provided, single submitter. Criteria: ICSL Variant Classification Criteria 13 December 2019. Collection method: clinical testing. Allele origin: germline.
Comment: This variant was observed in the ICSL laboratory as part of a predisposition screen in an ostensibly healthy population. It had not been previously curated by ICSL or reported in the Human Gene Mutation Database (HGMD: prior to June 1st, 2018), and was therefore a candidate for classification through an automated scoring system. Utilizing variant allele frequency, disease prevalence and penetrance estimates, and inheritance mode, an automated score was calculated to assess if this variant is too frequent to cause the disease. Based on the score and internal cut-off values, a variant classified as benign is not then subjected to further curation. The score for this variant resulted in a classification of benign for this disease.